The following is an entry in ClinVar:

NM_005546.4(ITK):c.396C>T (p.Cys132=)

Gene: ITK (IL2 inducible T cell kinase; plus strand). Cytogenetic location: 5q33.3.
Variant type: single nucleotide variant.
Coding change: c.396C>T on transcript NM_005546.4 (MANE Select); coding-DNA position 396, C replaced by T.
Protein change: p.Cys132=; no amino-acid change (cysteine 132 retained).
Molecular consequence: synonymous variant.
Genome position (GRCh38, 1-based): chr5:157,214,261, C>T. VCF-style: chr5-157214261-C-T. GRCh37 (hg19) VCF-style: chr5-156641272-C-T.
Identifiers: ClinVar variation 906131 (VCV000906131.7), dbSNP rs1459993484, ClinGen allele CA447427797.

ClinVar aggregate classification (germline): Conflicting classifications of pathogenicity. Review status: criteria provided, conflicting classifications (1 of 4 stars). 2 submissions from 2 submitters: Uncertain significance (1); Likely benign (1). Last evaluated 2023-09-09.

Conditions:
Lymphoproliferative syndrome 1 (LPFS1). Identifiers: Orphanet 238505, Orphanet 538963, MedGen C3552634, MONDO:0013081, OMIM 613011.

Allele frequency attached by ClinVar (database versions not stated): gnomAD exomes below 0.00001.
gnomAD v4.1: 3 of 1,609,904 alleles (0.00019%); highest among the groups gnomAD compares: Non-Finnish European, 0.00026%; no homozygotes.

Submissions (2):

Labcorp Genetics (formerly Invitae), Labcorp
Classification: Likely benign for Lymphoproliferative syndrome 1. Last evaluated: 2023-09-09. Review status: criteria provided, single submitter. Criteria: Invitae Variant Classification Sherloc (09022015). Collection method: clinical testing. Allele origin: germline.

Illumina Laboratory Services, Illumina
Classification: Uncertain significance for Lymphoproliferative syndrome 1. Last evaluated: 2017-04-27. Review status: criteria provided, single submitter. Criteria: ICSL Variant Classification Criteria 13 December 2019. Collection method: clinical testing. Allele origin: germline.
Comment: This variant was observed as part of a predisposition screen in an ostensibly healthy population. A literature search was performed for the gene, cDNA change, and amino acid change (where applicable). Publications were found based on this search. However, the evidence from the literature, in combination with allele frequency data from public databases where available, was not sufficient to rule this variant in or out of causing disease. Therefore, this variant is classified as a variant of unknown significance.

Literature cited by the submitters: PubMed 8985255 (cited by Illumina Laboratory Services, Illumina); PubMed 19717557 (cited by Illumina Laboratory Services, Illumina).